The following is an entry in ClinVar:

ClinVar aggregate classification (germline): Likely benign. Review status: criteria provided, multiple submitters, no conflicts (2 of 4 stars). 2 submissions from 2 submitters: Likely benign (2). Last evaluated 2025-12-08.

Allele frequency attached by ClinVar (database versions not stated): gnomAD exomes below 0.00001 and 0.00001; ExAC 0.00002; gnomAD 0.00006 and 0.00007; TOPMed 0.00010; ESP Exome Variant Server 0.00015.
gnomAD v4.1: 18 of 1,604,106 alleles (0.0011%); highest among the groups gnomAD compares: African/African-American, 0.021%; no homozygotes.

Submissions (2):

Labcorp Genetics (formerly Invitae), Labcorp
Classification: Likely benign. Last evaluated: 2025-12-08. Review status: criteria provided, single submitter. Criteria: Invitae Variant Classification Sherloc (09022015). Collection method: clinical testing. Allele origin: germline.

Laboratory for Molecular Medicine, Mass General Brigham Personalized Medicine
Classification: Likely benign. Last evaluated: 2016-11-30. Review status: criteria provided, single submitter. Criteria: LMM Criteria. Collection method: clinical testing. Allele origin: germline. Observed: 1 variant allele.
Comment: p.Glu1705Glu in exon 41 of OTOF: This variant is not expected to have clinical s ignificance because it does not alter an amino acid residue, is not located with in the splice consensus sequence, and has been identified in 4/23944 African chr omosomes by the genome Aggregation Database (dbSNP rs150521317).

NM_194248.3(OTOF):c.5115G>A (p.Glu1705=)

Genes: OTOF (otoferlin; minus strand), LOC112840921 (BRD4-independent group 4 enhancer GRCh37_chr2:26685720-26686919; plus strand). Cytogenetic location: 2p23.3.
Variant type: single nucleotide variant.
Coding change: c.5115G>A on transcript NM_194248.3 (MANE Select); coding-DNA position 5115, G replaced by A.
Protein change: p.Glu1705=; no amino-acid change (glutamic acid 1705 retained).
Molecular consequence: synonymous variant.
Genome position (GRCh38, 1-based): chr2:26,463,560, C>T on the plus strand (G>A on the coding strand, the complement: OTOF is on the minus strand). VCF-style: chr2-26463560-C-T. GRCh37 (hg19) VCF-style: chr2-26686428-C-T.
Other names: c.5115G>A, p.Glu1705= (NM_001287489.2); c.2814G>A, p.Glu938= (NM_004802.4, NM_194323.3); c.3045G>A, p.Glu1015= (NM_194322.3).
Identifiers: ClinVar variation 504654 (VCV000504654.8), dbSNP rs150521317, ClinGen allele CA1562925.